The following is an entry in ClinVar:

NM_001161352.2(KCNMA1):c.3182G>A (p.Arg1061Gln)

Genes: KCNMA1-AS1 (KCNMA1 antisense RNA 1; plus strand), KCNMA1 (potassium calcium-activated channel subfamily M alpha 1; minus strand). Cytogenetic location: 10q22.3.
Variant type: single nucleotide variant.
Coding change: c.3182G>A on transcript NM_001161352.2 (MANE Select); coding-DNA position 3182, G replaced by A.
Protein change: p.Arg1061Gln; replaces arginine 1061 with glutamine.
Molecular consequence: missense variant.
Genome position (GRCh38, 1-based): chr10:76,891,685, C>T on the plus strand (G>A on the coding strand, the complement: KCNMA1 is on the minus strand). VCF-style: chr10-76891685-C-T. GRCh37 (hg19) VCF-style: chr10-78651443-C-T.
Other names: c.3020G>A, p.Arg1007Gln (NM_001014797.3); c.3131G>A, p.Arg1044Gln (NM_001161353.2); c.2858G>A, p.Arg953Gln (NM_001271518.2); c.3098G>A, p.Arg1033Gln (NM_001271519.2); c.3017G>A, p.Arg1006Gln (NM_001322829.2, NM_001322836.2); c.3110G>A, p.Arg1037Gln (NM_001322830.2); c.3008G>A, p.Arg1003Gln (NM_001322832.2, NM_002247.4); c.3101G>A, p.Arg1034Gln (NM_001322835.2, NM_001322837.2); and 1 more; short protein forms R1006Q, R1007Q, R1033Q, R852Q, R953Q, R1003Q, R1034Q, R1044Q.
Identifiers: ClinVar variation 650743 (VCV000650743.10), dbSNP rs764468883, ClinGen allele CA5567887.
Genomic context (GRCh38, chr10:76,891,685, plus strand): 5'-GCGTTTTCCTCAGCAATCAGAGCCTCCAGCTCCGGCGTGGCTCCTCCGGTCACCAGGGTC[C>T]GTATCAGGGTGAGGATATTGTCATTGAAGTACGTCTGGGGAAGGAGAGAAAGTGAGGGAA-3'
Protein context (NP_001154824.1, residues 1051-1071): YFNDNILTLI[Arg1061Gln]TLVTGGATPE

ClinVar aggregate classification (germline): Uncertain significance (1 of 4 stars; one submission).

Conditions:
Generalized epilepsy-paroxysmal dyskinesia syndrome (PNKD3). Also called: Generalized epilepsy and paroxysmal dyskinesia; Paroxysmal nonkinesigenic dyskinesia, 3, with or without generalized epilepsy. Identifiers: Orphanet 79137, MedGen C5574945, MONDO:0012276, OMIM 609446.

Allele frequency attached by ClinVar (database versions not stated): gnomAD exomes below 0.00001 and 0.00001; ExAC 0.00001.
gnomAD v4.1: 9 of 1,613,870 alleles (0.00056%); highest among the groups gnomAD compares: Non-Finnish European, 0.00076%; no homozygotes.

Submissions (2):

Labcorp Genetics (formerly Invitae), Labcorp
Classification: Uncertain significance for Generalized epilepsy-paroxysmal dyskinesia syndrome. Last evaluated: 2022-11-07. Review status: criteria provided, single submitter. Criteria: Invitae Variant Classification Sherloc (09022015). Collection method: clinical testing. Allele origin: germline.
Comment: Advanced modeling of protein sequence and biophysical properties (such as structural, functional, and spatial information, amino acid conservation, physicochemical variation, residue mobility, and thermodynamic stability) performed at Invitae indicates that this missense variant is not expected to disrupt KCNMA1 protein function. Algorithms developed to predict the effect of sequence changes on RNA splicing suggest that this variant may create or strengthen a splice site. In summary, the available evidence is currently insufficient to determine the role of this variant in disease. Therefore, it has been classified as a Variant of Uncertain Significance. ClinVar contains an entry for this variant (Variation ID: 650743). This sequence change replaces arginine, which is basic and polar, with glutamine, which is neutral and polar, at codon 1003 of the KCNMA1 protein (p.Arg1003Gln). The frequency data for this variant in the population databases is considered unreliable, as metrics indicate poor data quality at this position in the gnomAD database. This variant has not been reported in the literature in individuals affected with KCNMA1-related conditions.

Dr. Peter K. Rogan Lab, Western University
No classification provided (evidence only). Condition: Thyroid cancer, nonmedullary, 1. Review status: no classification provided. Collection method: in vitro. Allele origin: not applicable. Functional consequence: retained intron. Not counted in ClinVar's aggregate classification.